The following is an entry in ClinVar:

NM_021619.3(PRDM12):c.514G>T (p.Glu172Ter)

Gene: PRDM12 (PR/SET domain 12; plus strand). Cytogenetic location: 9q34.12.
Variant type: single nucleotide variant.
Coding change: c.514G>T on transcript NM_021619.3 (MANE Select); coding-DNA position 514, G replaced by T.
Protein change: p.Glu172Ter; replaces glutamic acid 172 with a stop codon.
Molecular consequence: nonsense.
Genome position (GRCh38, 1-based): chr9:130,668,257, G>T. VCF-style: chr9-130668257-G-T. GRCh37 (hg19) VCF-style: chr9-133543644-G-T.
Other names: short protein forms E172*.
Identifiers: ClinVar variation 1745663 (VCV001745663.2), dbSNP rs2490727103, ClinGen allele CA375247116.
Genomic context (GRCh38, chr9:130,668,257, plus strand): 5'-GCCAGCCAGGAGGACCACCGGAGCTGGATGACCTACATCAAGTGTGCACGTAACGAACAG[G>T]AGCAGAACCTGGAGGTGGTCCAGATCGGCACCAGCATCTTCTACAAGGCCATTGAGGTGT-3'

ClinVar aggregate classification (germline): Pathogenic (1 of 4 stars; one submission).

Conditions:
Inborn genetic diseases. Identifiers: MedGen C0950123, MeSH D030342.

Submission:

Ambry Genetics
Classification: Pathogenic for Inborn genetic diseases. Last evaluated: 2020-11-20. Review status: criteria provided, single submitter. Criteria: Ambry Variant Classification Scheme 2023. Collection method: clinical testing. Allele origin: germline.
Comment: The p.E172* pathogenic mutation (also known as c.514G>T), located in coding exon 3 of the PRDM12 gene, results from a G to T substitution at nucleotide position 514. This changes the amino acid from a glutamic acid to a stop codon within coding exon 3. This alteration is expected to result in loss of function by premature protein truncation or nonsense-mediated mRNA decay. As such, this alteration is interpreted as a disease-causing mutation.